The following is an entry in ClinVar:

NM_005677.4(COLQ):c.1346del (p.Thr449fs)

Gene: COLQ (collagen like tail subunit of asymmetric acetylcholinesterase; minus strand). Cytogenetic location: 3p25.1.
Variant type: Deletion.
Coding change: c.1346del on transcript NM_005677.4 (MANE Select); coding-DNA position 1346, one base deleted (C; older notation c.1346delC).
Protein change: p.Thr449fs; shifts the reading frame from threonine 449.
Molecular consequence: frameshift variant.
Genome position (GRCh38, 1-based): chr3:15,451,666, G deleted on the plus strand (C on the coding strand, the reverse complement: COLQ is on the minus strand). VCF-style (leftmost placement, unchanged base first): chr3-15451665-CG-C. GRCh37 (hg19) VCF-style: chr3-15493172-CG-C.
Other names: c.1316del, p.Thr439fs (NM_080538.2); c.1244del, p.Thr415fs (NM_080539.4); short protein forms T415fs, T439fs, T449fs.
Identifiers: ClinVar variation 1034202 (VCV001034202.1), dbSNP rs757053860, ClinGen allele CA2275771.

ClinVar aggregate classification (germline): Uncertain significance (1 of 4 stars; one submission).

Conditions:
Congenital myasthenic syndrome 5. Identifiers: Orphanet 590, MedGen C1864233, MONDO:0011281, OMIM 603034.

Allele frequency attached by ClinVar (database versions not stated): gnomAD exomes below 0.00001; TOPMed below 0.00001; ExAC 0.00001; gnomAD 0.00001.

Submission:

Baylor Genetics
Classification: Uncertain significance for Congenital myasthenic syndrome 5. Last evaluated: 2018-11-14. Review status: criteria provided, single submitter. Criteria: ACMG Guidelines, 2015. Collection method: clinical testing. Allele origin: unknown. Affected: yes.
Comment: This variant was determined to be of uncertain significance according to ACMG Guidelines, 2015 [PMID:25741868].